The following is an entry in ClinVar:

NM_001846.4(COL4A2):c.1697G>T (p.Gly566Val)

Genes: COL4A2 (collagen type IV alpha 2 chain; plus strand), COL4A2-AS2 (COL4A2 antisense RNA 2; minus strand). Cytogenetic location: 13q34.
Variant type: single nucleotide variant.
Coding change: c.1697G>T on transcript NM_001846.4 (MANE Select); coding-DNA position 1697, G replaced by T.
Protein change: p.Gly566Val; replaces glycine 566 with valine.
Molecular consequence: missense variant.
Genome position (GRCh38, 1-based): chr13:110,462,305, G>T. VCF-style: chr13-110462305-G-T. GRCh37 (hg19) VCF-style: chr13-111114652-G-T.
Other names: c.1697G>T (NM_001846.2); short protein forms G566V.
Identifiers: ClinVar variation 2114481 (VCV002114481.5), dbSNP rs2502120725, ClinGen allele CA388738753.

ClinVar aggregate classification (germline): Uncertain significance. Review status: criteria provided, multiple submitters, no conflicts (2 of 4 stars). 2 submissions from 2 submitters: Uncertain significance (2). Last evaluated 2022-09-07.

Submissions (2):

Labcorp Genetics (formerly Invitae), Labcorp
Classification: Uncertain significance. Last evaluated: 2022-09-07. Review status: criteria provided, single submitter. Criteria: Invitae Variant Classification Sherloc (09022015). Collection method: clinical testing. Allele origin: germline.
Comment: In summary, the available evidence is currently insufficient to determine the role of this variant in disease. Therefore, it has been classified as a Variant of Uncertain Significance. Advanced modeling of protein sequence and biophysical properties (such as structural, functional, and spatial information, amino acid conservation, physicochemical variation, residue mobility, and thermodynamic stability) performed at Invitae indicates that this missense variant is expected to disrupt COL4A2 protein function. This variant has not been reported in the literature in individuals affected with COL4A2-related conditions. This variant is not present in population databases (gnomAD no frequency). This sequence change replaces glycine, which is neutral and non-polar, with valine, which is neutral and non-polar, at codon 566 of the COL4A2 protein (p.Gly566Val).

GeneDx
Classification: Uncertain significance. Last evaluated: 2022-08-12. Review status: criteria provided, single submitter. Criteria: GeneDx Variant Classification Process June 2021. Collection method: clinical testing. Allele origin: germline. Affected: yes.
Comment: Not observed at significant frequency in large population cohorts (gnomAD); In silico analysis supports that this missense variant has a deleterious effect on protein structure/function; Affects a glycine residue in a Gly-X-Y motif in the triple helical region of the COL4A2 gene; Has not been previously published as pathogenic or benign to our knowledge